The following is an entry in ClinVar:

ClinVar aggregate classification (germline): Pathogenic. Review status: criteria provided, multiple submitters, no conflicts (2 of 4 stars). 5 submissions from 5 submitters: Pathogenic (5). Last evaluated 2026-04-24.

Conditions:
Familial cancer of breast. Also called: BREAST CANCER, FAMILIAL; Hereditary breast cancer; hereditary breast carcinoma. Identifiers: Orphanet 227535, MedGen C0346153, MONDO:0016419, OMIM 114480. Disease mechanism: loss of function.
Hereditary cancer-predisposing syndrome. Also called: Neoplastic Syndromes, Hereditary; Tumor predisposition; Hereditary Cancer Syndrome; Hereditary neoplastic syndrome. Identifiers: Orphanet 140162, MedGen C0027672, MeSH D009386, MONDO:0015356.
Hereditary diffuse gastric adenocarcinoma (HDGC). Also called: DIFFUSE GASTRIC AND LOBULAR BREAST CANCER SYNDROME. Identifiers: Orphanet 26106, MedGen C1708349, MONDO:0007648, OMIM 137215.

Allele frequency attached by ClinVar (database versions not stated): gnomAD exomes below 0.00001.
gnomAD v4.1: 3 of 1,613,070 alleles (0.00019%); highest among the groups gnomAD compares: Non-Finnish European, 0.00025%; no homozygotes.

Submissions (5):

Ambry Genetics
Classification: Pathogenic for Hereditary cancer-predisposing syndrome. Last evaluated: 2026-04-24. Review status: criteria provided, single submitter. Criteria: Ambry Variant Classification Scheme 2023. Collection method: clinical testing. Allele origin: germline.
Comment: The p.Q129* pathogenic mutation (also known as c.385C>T), located in coding exon 3 of the CDH1 gene, results from a C to T substitution at nucleotide position 385. This changes the amino acid from a glutamine to a stop codon within coding exon 3. This variant was reported in individual(s) with features consistent with CDH1-related diffuse gastric and lobular breast cancer (Mi EZ et al. Gastrointest Endosc, 2018 Feb;87:408-418; Garcia-Pelaez J et al. Lancet Oncol, 2023 Jan;24:91-106; Lee CYC et al. Lancet Oncol, 2023 Jan;24:107-116). This variant is considered to be rare based on population cohorts in the Genome Aggregation Database (gnomAD). This alteration is expected to result in loss of function by premature protein truncation or nonsense-mediated mRNA decay. As such, this alteration is interpreted as a disease-causing mutation.

KCCC/NGS Laboratory, Kuwait Cancer Control Center
Classification: Pathogenic for Hereditary diffuse gastric adenocarcinoma. Last evaluated: 2024-11-03. Review status: criteria provided, single submitter. Criteria: ACMG Guidelines, 2015. Collection method: clinical testing. Allele origin: germline. Inheritance: Autosomal dominant inheritance. Affected: yes. Observed: 1 heterozygote.
Comment: This sequence change creates a premature translational stop signal (p.Gln129Ter) in the CDH1 gene. It is expected to result in an absent or disrupted protein product. This variant is not present in gnomAD (no frequency). This variant has been reported in individual(s) affected with Hereditary diffuse gastric adenocarcinoma (PMID: 30311375). ClinVar classifies this variant as Pathogenic, rated 2 stars, with 3 submissions and no conflicts.. Therefore, this variant has been classified as pathogenic.Heterozygous variants in the CDH1 gene cause increased susceptibility to breast cancer (OMIM# 114480).

Baylor Genetics
Classification: Pathogenic for Familial cancer of breast. Last evaluated: 2023-08-17. Review status: criteria provided, single submitter. Criteria: ACMG Guidelines, 2015. Collection method: clinical testing. Allele origin: unknown.

Myriad Genetics, Inc.
Classification: Pathogenic for Hereditary diffuse gastric adenocarcinoma. Last evaluated: 2023-06-08. Review status: criteria provided, single submitter. Criteria: Myriad Autosomal Dominant, Autosomal Recessive and X-Linked Classification Criteria (2023). Collection method: clinical testing. Allele origin: unknown.
Comment: This variant is considered pathogenic. This variant creates a termination codon and is predicted to result in premature protein truncation.

European Reference Network on Genetic Tumour Risk Syndromes (ERN-GENTURIS), i3s - Instituto de Investigação e Inovação em Saúde, University of Porto
Classification: Pathogenic for Hereditary diffuse gastric adenocarcinoma. Last evaluated: 2022-08-01. Review status: criteria provided, single submitter. Criteria: Lee et al. (Hum Mutat. 2018). Collection method: clinical testing. Allele origin: germline. Inheritance: Autosomal dominant inheritance. Affected: yes. Study: ERN GENTURIS.
Comment: PVS1; PS4_Moderate; PM2 (PMID: 30311375)

Literature cited by the submitters: PubMed 28688938 (cited by Ambry Genetics); PubMed 36436516 (cited by Ambry Genetics and European Reference Network on Genetic Tumour Risk Syndromes (ERN-GENTURIS), i3s - Instituto de Investigação e Inovação em Saúde, University of Porto); PubMed 36509094 (cited by Ambry Genetics).

NM_004360.5(CDH1):c.385C>T (p.Gln129Ter)

Gene: CDH1 (cadherin 1; plus strand). Cytogenetic location: 16q22.1.
Variant type: single nucleotide variant.
Coding change: c.385C>T on transcript NM_004360.5 (MANE Select); coding-DNA position 385, C replaced by T.
Protein change: p.Gln129Ter; replaces glutamine 129 with a stop codon.
Molecular consequence: nonsense. On other transcripts: 5 prime UTR variant (2).
Genome position (GRCh38, 1-based): chr16:68,801,891, C>T. VCF-style: chr16-68801891-C-T. GRCh37 (hg19) VCF-style: chr16-68835794-C-T.
Other names: c.385C>T, p.Gln129Ter (NM_001317184.2); c.-1231C>T (NM_001317185.2); c.-1435C>T (NM_001317186.2); short protein forms Q129*.
Identifiers: ClinVar variation 2503034 (VCV002503034.7), dbSNP rs2152127078, ClinGen allele CA396457501.